The following is an entry in ClinVar:

NM_001035.3(RYR2):c.3361G>T (p.Gly1121Cys)

Gene: RYR2 (ryanodine receptor 2; plus strand). Cytogenetic location: 1q43.
Variant type: single nucleotide variant.
Coding change: c.3361G>T on transcript NM_001035.3 (MANE Select); coding-DNA position 3361, G replaced by T.
Protein change: p.Gly1121Cys; replaces glycine 1121 with cysteine.
Molecular consequence: missense variant.
Genome position (GRCh38, 1-based): chr1:237,566,713, G>T. VCF-style: chr1-237566713-G-T. GRCh37 (hg19) VCF-style: chr1-237730013-G-T.
Other names: short protein forms G1121C.
Identifiers: ClinVar variation 3070686 (VCV003070686.1), dbSNP rs199682282, ClinGen allele CA345398636.

ClinVar aggregate classification (germline): Uncertain significance (1 of 4 stars; one submission).

Conditions:
Catecholaminergic polymorphic ventricular tachycardia (CVPT). Also called: Catecholamine-induced polymorphic ventricular tachycardia. Identifiers: Orphanet 3286, MedGen C5574922, MONDO:0017990.

gnomAD v4.1: 1 of 1,613,942 alleles (0.000062%); no homozygotes.

Submission:

All of Us Research Program, National Institutes of Health
Classification: Uncertain significance for Catecholaminergic polymorphic ventricular tachycardia. Last evaluated: 2023-05-04. Review status: criteria provided, single submitter. Criteria: ACMG Guidelines, 2015. Collection method: clinical testing. Allele origin: germline. Inheritance: Autosomal dominant inheritance. Observed: 1 variant allele, 1 heterozygote.
Comment: This missense variant replaces glycine with cysteine at codon 1121 of the RYR2 protein. Computational prediction suggests that this variant may not impact protein structure and function (internally defined REVEL score threshold <= 0.5, PMID: 27666373). To our knowledge, functional studies have not been reported for this variant. This variant has not been reported in individuals affected with RYR2-related disorders in the literature. This variant has been identified in 1/249224 chromosomes in the general population by the Genome Aggregation Database (gnomAD). The available evidence is insufficient to determine the role of this variant in disease conclusively. Therefore, this variant is classified as a Variant of Uncertain Significance.

This study involves interpretation of variants in research participants for the purpose of population health screening. Participant phenotype was not available at the time of variant classification. Additional details can be found in publication PMID: 35346344, PMCID: PMC8962531